The following is an entry in ClinVar:

NM_005560.6(LAMA5):c.6383C>T (p.Thr2128Met)

Gene: LAMA5 (laminin subunit alpha 5; minus strand). Cytogenetic location: 20q13.33.
Variant type: single nucleotide variant.
Coding change: c.6383C>T on transcript NM_005560.6 (MANE Select); coding-DNA position 6383, C replaced by T.
Protein change: p.Thr2128Met; replaces threonine 2128 with methionine.
Molecular consequence: missense variant.
Genome position (GRCh38, 1-based): chr20:62,322,132, G>A on the plus strand (C>T on the coding strand, the complement: LAMA5 is on the minus strand). VCF-style: chr20-62322132-G-A. GRCh37 (hg19) VCF-style: chr20-60897188-G-A.
Other names: c.6383C>T (NM_005560.3); short protein forms T2128M.
Identifiers: ClinVar variation 1895627 (VCV001895627.6), dbSNP rs368757053, ClinGen allele CA9941768.

ClinVar aggregate classification (germline): Uncertain significance. Review status: criteria provided, multiple submitters, no conflicts (2 of 4 stars). 2 submissions from 2 submitters: Uncertain significance (2). Last evaluated 2023-02-22.

Allele frequency attached by ClinVar (database versions not stated): TOPMed 0.00002; gnomAD 0.00003; ExAC 0.00006; ESP Exome Variant Server 0.00008.
gnomAD v4.1: 52 of 1,602,366 alleles (0.0032%); highest among the groups gnomAD compares: East Asian, 0.027%; no homozygotes.

Submissions (2):

GeneDx
Classification: Uncertain significance. Last evaluated: 2023-02-22. Review status: criteria provided, single submitter. Criteria: GeneDx Variant Classification Process June 2021. Collection method: clinical testing. Allele origin: germline. Affected: yes.
Comment: In silico analysis supports that this missense variant has a deleterious effect on protein structure/function; Has not been previously published as pathogenic or benign to our knowledge; Variants in candidate genes are classified as variants of uncertain significance in accordance with ACMG guidelines (Richards et al., 2015)

Labcorp Genetics (formerly Invitae), Labcorp
Classification: Uncertain significance. Last evaluated: 2022-04-29. Review status: criteria provided, single submitter. Criteria: Invitae Variant Classification Sherloc (09022015). Collection method: clinical testing. Allele origin: germline.
Comment: In summary, the available evidence is currently insufficient to determine the role of this variant in disease. Therefore, it has been classified as a Variant of Uncertain Significance. Algorithms developed to predict the effect of missense changes on protein structure and function are either unavailable or do not agree on the potential impact of this missense change (SIFT: "Deleterious"; PolyPhen-2: "Benign"; Align-GVGD: "Class C0"). This variant has not been reported in the literature in individuals affected with LAMA5-related conditions. This variant is present in population databases (rs368757053, gnomAD 0.05%). This sequence change replaces threonine, which is neutral and polar, with methionine, which is neutral and non-polar, at codon 2128 of the LAMA5 protein (p.Thr2128Met).